The following is an entry in ClinVar:

NM_002150.3(HPD):c.274G>A (p.Gly92Arg)

Genes: HPD (4-hydroxyphenylpyruvate dioxygenase; minus strand), TIALD (transcript inducer of AURKA lysosomal degradation; plus strand), LOC126861662 (MED14-independent group 3 enhancer GRCh37_chr12:122293687-122294886; plus strand). Cytogenetic location: 12q24.31.
Variant type: single nucleotide variant.
Coding change: c.274G>A on transcript NM_002150.3 (MANE Select); coding-DNA position 274, G replaced by A.
Protein change: p.Gly92Arg; replaces glycine 92 with arginine.
Molecular consequence: missense variant.
Genome position (GRCh38, 1-based): chr12:121,856,374, C>T on the plus strand (G>A on the coding strand, the complement: HPD is on the minus strand). VCF-style: chr12-121856374-C-T. GRCh37 (hg19) VCF-style: chr12-122294280-C-T.
Other names: c.157G>A, p.Gly53Arg (NM_001171993.2); short protein forms G92R, G53R.
Identifiers: ClinVar variation 835800 (VCV000835800.7), dbSNP rs771382964, ClinGen allele CA6839732.

ClinVar aggregate classification (germline): Uncertain significance (1 of 4 stars; one submission).

Conditions:
Hawkinsinuria. Identifiers: Orphanet 2118, MedGen C2931042, MONDO:0007700, OMIM 140350, HP:0034457.
Tyrosinemia type III. Also called: Tyrosinemia type 3; 4-alpha hydroxyphenylpyruvic acid oxidase deficiency; 4-alpha hydroxyphenylpyruvate dioxygenase deficiency; 4-Hydroxyphenylpyruvate dioxygenase deficiency; 4-HYDROXYPHENYLPYRUVIC ACID OXIDASE DEFICIENCY. Identifiers: Orphanet 69723, MedGen C0268623, MONDO:0010162, OMIM 276710.

Allele frequency attached by ClinVar (database versions not stated): gnomAD exomes below 0.00001; TOPMed below 0.00001; ExAC 0.00001; gnomAD 0.00001.
gnomAD v4.1: 6 of 1,613,998 alleles (0.00037%); highest among the groups gnomAD compares: African/African-American, 0.0013%; no homozygotes.

Submission:

Labcorp Genetics (formerly Invitae), Labcorp
Classification: Uncertain significance for Tyrosinemia type III; Hawkinsinuria. Last evaluated: 2021-09-01. Review status: criteria provided, single submitter. Criteria: Invitae Variant Classification Sherloc (09022015). Collection method: clinical testing. Allele origin: germline.
Comment: This sequence change replaces glycine with arginine at codon 92 of the HPD protein (p.Gly92Arg). The glycine residue is highly conserved and there is a moderate physicochemical difference between glycine and arginine. This variant is present in population databases (rs771382964, ExAC 0.02%). This variant has not been reported in the literature in individuals affected with HPD-related conditions. Algorithms developed to predict the effect of missense changes on protein structure and function (SIFT, PolyPhen-2, Align-GVGD) all suggest that this variant is likely to be disruptive. In summary, the available evidence is currently insufficient to determine the role of this variant in disease. Therefore, it has been classified as a Variant of Uncertain Significance.